The following is an entry in ClinVar:

NC_000016.9:g.(?_89730828)_(89877489_?)del

Genes: VPS9D1 (VPS9 domain containing 1; minus strand), ZNF276 (zinc finger protein 276; plus strand), CDK10 (cyclin dependent kinase 10; plus strand), FANCA (FA complementation group A; minus strand), SPATA2L (spermatogenesis associated 2 like; minus strand) and 1 more. Cytogenetic location: 16q24.3.
Variant type: Deletion.
Identifiers: ClinVar variation 3243280 (VCV003243280.1).

ClinVar aggregate classification (germline): Pathogenic (1 of 4 stars; one submission).

Conditions:
Fanconi anemia (FA). Also called: Fanconi's anemia. Identifiers: Orphanet 84, MedGen C0015625, MeSH D005199, MONDO:0019391.

Submission:

Labcorp Genetics (formerly Invitae), Labcorp
Classification: Pathogenic for Fanconi anemia. Last evaluated: 2022-08-22. Review status: criteria provided, single submitter. Criteria: Invitae Variant Classification Sherloc (09022015). Collection method: clinical testing. Allele origin: unknown.
Comment: For these reasons, this variant has been classified as Pathogenic. This variant disrupts a region of the FANCA protein in which other variant(s) (p.Asp1427Thrfs*6) have been determined to be pathogenic (PMID: 11091222, 29098742). This suggests that this is a clinically significant region of the protein, and that variants that disrupt it are likely to be disease-causing. This variant has not been reported in the literature in individuals affected with FANCA-related conditions. This variant is a gross deletion of the genomic region encompassing exon(s) 4-43 of the FANCA gene, which includes the termination codon. This deletion extends beyond the assayed region for this gene and therefore may encompass additional genes. While this deletion is not anticipated to lead to nonsense mediated decay, it is expected to alter mRNA translation or result in a truncated protein product.

Literature cited by the submitters: PubMed 11091222; PubMed 29098742.